The following is an entry in ClinVar:

NM_001008212.2(OPTN):c.1453del (p.Ile485fs)

Gene: OPTN (optineurin; plus strand). Cytogenetic location: 10p13.
Variant type: Deletion.
Coding change: c.1453del on transcript NM_001008212.2 (MANE Select); coding-DNA position 1453, one base deleted (A; older notation c.1453delA).
Protein change: p.Ile485fs; shifts the reading frame from isoleucine 485.
Molecular consequence: frameshift variant.
Genome position (GRCh38, 1-based): chr10:13,132,118, A deleted; the last of 4 consecutive A bases (chr10:13,132,115-13,132,118); deleting any one gives the same sequence. VCF-style (leftmost placement, unchanged base first): chr10-13132114-GA-G. GRCh37 (hg19) VCF-style: chr10-13174114-GA-G.
Other names: c.1453del, p.Ile485fs (NM_001008211.1, NM_001008213.1, NM_021980.4); short protein forms I485fs.
Identifiers: ClinVar variation 2506647 (VCV002506647.1), dbSNP rs2539078254, ClinGen allele CA2580615433.

ClinVar aggregate classification (germline): Likely pathogenic (1 of 4 stars; one submission).

Submission:

GeneDx
Classification: Likely pathogenic. Last evaluated: 2023-06-23. Review status: criteria provided, single submitter. Criteria: GeneDx Variant Classification Process June 2021. Collection method: clinical testing. Allele origin: germline. Affected: yes.
Comment: Frameshift variant predicted to result in protein truncation or nonsense mediated decay in a gene for which loss of function is a known mechanism of disease; Not observed at significant frequency in large population cohorts (gnomAD); Has not been previously published as pathogenic or benign to our knowledge